The following is an entry in ClinVar:

NM_030665.4(RAI1):c.2158G>C (p.Asp720His)

Gene: RAI1 (retinoic acid induced 1; plus strand). Cytogenetic location: 17p11.2.
Variant type: single nucleotide variant.
Coding change: c.2158G>C on transcript NM_030665.4 (MANE Select); coding-DNA position 2158, G replaced by C.
Protein change: p.Asp720His; replaces aspartic acid 720 with histidine.
Molecular consequence: missense variant.
Genome position (GRCh38, 1-based): chr17:17,795,106, G>C. VCF-style: chr17-17795106-G-C. GRCh37 (hg19) VCF-style: chr17-17698420-G-C.
Other names: short protein forms D720H.
Identifiers: ClinVar variation 3350401 (VCV003350401.1).
Genomic context (GRCh38, chr17:17,795,106, plus strand): 5'-AAAAAGACAACTGGTCCTCTCTCCTTTGGTACCAAGCCCACCCTTGGGGTTCCTGCTCCA[G>C]ACCCCACTACAGCAGCTTTTGACTGTTTCCCGGACACAACCGCTGCCAGCTCAGCGGACA-3'
Protein context (NP_109590.3, residues 710-730): TKPTLGVPAP[Asp720His]PTTAAFDCFP

ClinVar aggregate classification (germline): Uncertain significance (0 of 4 stars; one submission).

Conditions:
RAI1-related disorder. Also called: RAI1-related condition.

gnomAD v4.1: 1 of 1,614,060 alleles (0.000062%); highest among the groups gnomAD compares: Non-Finnish European, 0.000085%; no homozygotes.

Submission:

PreventionGenetics, part of Exact Sciences
Classification: Uncertain significance for RAI1-related condition. Last evaluated: 2024-06-22. Review status: no assertion criteria provided. Collection method: clinical testing. Allele origin: germline.
Comment: The RAI1 c.2158G>C variant is predicted to result in the amino acid substitution p.Asp720His. To our knowledge, this variant has not been reported in the literature or in a large population database, indicating this variant is rare. At this time, the clinical significance of this variant is uncertain due to the absence of conclusive functional and genetic evidence.